The following is an entry in ClinVar:

NM_005629.4(SLC6A8):c.1597-1G>A

Gene: SLC6A8 (solute carrier family 6 member 8; plus strand). Cytogenetic location: Xq28.
Variant type: single nucleotide variant.
Coding change: c.1597-1G>A on transcript NM_005629.4 (MANE Select); the canonical splice acceptor site of the intron before coding-DNA position 1597, G replaced by A.
Molecular consequence: splice acceptor variant.
Genome position (GRCh38, 1-based): chrX:153,694,718, G>A. VCF-style: chrX-153694718-G-A. GRCh37 (hg19) VCF-style: chrX-152960173-G-A.
Other names: c.1567-1G>A (NM_001142805.2); c.1252-1G>A (NM_001142806.1).
Identifiers: ClinVar variation 4855457 (VCV004855457.1).

ClinVar aggregate classification (germline): Likely pathogenic (1 of 4 stars; one submission).

Conditions:
Creatine transporter deficiency (CCDS1). Also called: Mental retardation , X-linked with seizures, short stature and midface hypoplasia; Mental retardation , X-linked, with creatine transport deficiency; X-linked creatine transporter deficiency; X-linked creatine deficiency syndrome; SLC6A8-Related Creatine Transporter Deficiency; CREATINE TRANSPORTER DEFECT. Identifiers: Orphanet 52503, MedGen C1845862, MONDO:0010305, OMIM 300352.

Submission:

3billion
Classification: Likely pathogenic for Creatine transporter deficiency. Last evaluated: 2026-01-19. Review status: criteria provided, single submitter. Criteria: ACMG Guidelines, 2015. Collection method: clinical testing. Allele origin: germline. Affected: yes.
Comment: The variant is not observed in the gnomAD v4.1.0 dataset. Predicted Consequence/Location: Canonical splice site: predicted to alter splicing and result in a loss or disruption of normal protein function. Multiple pathogenic loss-of-function variants are reported downstream of the variant. In silico tools predict the variant to alter splicing and produce an abnormal transcript [SpliceAI: 1.00 (spliceogenicity >=0.2, non-spliceogenicity <0.1)]. Therefore, this variant is classified as Likely pathogenic according to the recommendation of ACMG/AMP guideline.